The following is an entry in ClinVar:

ClinVar aggregate classification (germline): conflicting data from submitters (0 of 4 stars; one submission).

Submission:

ISCA site 1
Classification: conflicting data from submitters. Last evaluated: 2014-10-22. Review status: no assertion criteria provided. Collection method: clinical testing. Allele origin: unknown, maternal. Affected: yes. Observed: 2 variant alleles.
Comment: Uncertain significance(1), Likely benign (1)

Copy number variation identified through the course of routine clinical cytogenomic testing in postnatal populations, with clinical assertions as classified by the original submitter. For data from the original published study, Kaminsky, et al. 2011 (PubMed 21844811), please see nstd101.

GRCh38/hg38 9q31.1(chr9:102880737-103104119)x1

Genes: CYLC2 (cylicin 2; plus strand), LOC129390103 (MPRA-validated peak7310 silencer; plus strand). Cytogenetic location: 9q31.1.
Variant type: copy number loss.
Change: copy number 1 (one copy instead of two) of chr9:102,880,737-103,104,119 (223.4 kb, GRCh38 coordinates, 1-based), cytogenetic band 9q31.1.
Identifiers: ClinVar variation 153667 (VCV000153667.3).